The following continues an entry in ClinVar:

NM_000492.4(CFTR):c.262_263del (p.Leu88fs)

Gene: CFTR. ClinVar aggregate classification (germline): Pathogenic. Pathogenic (1).

Submissions 13 to 29 of 29:

GeneDx
Classification: Pathogenic. Last evaluated: 2023-11-14. Review status: criteria provided, single submitter. Criteria: GeneDx Variant Classification Process June 2021. Collection method: clinical testing. Allele origin: germline. Affected: yes. Not counted in ClinVar's aggregate classification.
Comment: Observed multiple times with a pathogenic variant in unrelated patients with cystic fibrosis or a CFTR-related disorder in published literature, but it is not known whether the variants occurred on the same (in cis) or on different (in trans) chromosomes in some cases (PMID: 7509311, 22678879, 28603918, 23974870); Frameshift variant predicted to result in protein truncation or nonsense mediated decay in a gene for which loss of function is a known mechanism of disease; Also known as 394delTT; This variant is associated with the following publications: (PMID: 14872121, 34996830, 31036917, 22975760, 22658665, 7691344, 752596, 9259197, 22678879, 26087176, 16051530, 18456578, 29261177, 32429104, 31589614, 34782259, 23974870, 7509311, 28603918)

CeGaT Center for Human Genetics Tuebingen
Classification: Pathogenic. Last evaluated: 2023-11-01. Review status: criteria provided, single submitter. Criteria: CeGaT Center For Human Genetics Tuebingen Variant Classification Criteria Version 2. Collection method: clinical testing. Allele origin: germline. Affected: yes. Observed: 1 variant allele. Not counted in ClinVar's aggregate classification.
Comment: CFTR: PM3:Very Strong, PVS1, PM2

Revvity Omics, Revvity
Classification: Pathogenic. Last evaluated: 2022-08-24. Review status: criteria provided, single submitter. Criteria: ACMG Guidelines, 2015. Collection method: clinical testing. Allele origin: germline. Not counted in ClinVar's aggregate classification.

Fulgent Genetics
Classification: Pathogenic for Hereditary pancreatitis; Bronchiectasis with or without elevated sweat chloride 1; Cystic fibrosis; Congenital bilateral aplasia of vas deferens from CFTR mutation. Last evaluated: 2022-02-07. Review status: criteria provided, single submitter. Criteria: ACMG Guidelines, 2015. Collection method: clinical testing. Allele origin: unknown. Not counted in ClinVar's aggregate classification.

Mayo Clinic Laboratories, Mayo Clinic
Classification: Pathogenic. Last evaluated: 2021-09-20. Review status: criteria provided, single submitter. Criteria: ACMG Guidelines, 2015. Collection method: clinical testing. Allele origin: germline. Not counted in ClinVar's aggregate classification.

Quest Diagnostics Nichols Institute San Juan Capistrano
Classification: Pathogenic. Last evaluated: 2020-01-15. Review status: criteria provided, single submitter. Criteria: Quest Diagnostics criteria. Collection method: clinical testing. Allele origin: unknown. Not counted in ClinVar's aggregate classification.
Comment: The variant results in a shift of the reading frame, and is therefore predicted to result in the loss of a functional protein. Found in at least one patient with expected phenotype for this gene, and found in general population data at a frequency that is consistent with pathogenicity.

Johns Hopkins Genomics, Johns Hopkins University
Classification: Pathogenic for Cystic fibrosis. Last evaluated: 2020-01-07. Review status: criteria provided, single submitter. Criteria: ACMG Guidelines, 2015. Collection method: clinical testing. Allele origin: germline. Not counted in ClinVar's aggregate classification.
Comment: See CFTR2 for phenotype information.

Myriad Genetics, Inc.
Classification: Pathogenic for Cystic fibrosis. Last evaluated: 2019-11-11. Review status: criteria provided, single submitter. Criteria: Myriad Women's Health Autosomal Recessive and X-Linked Classification Criteria (2019). Collection method: clinical testing. Allele origin: unknown. Not counted in ClinVar's aggregate classification.
Comment: NM_000492.3(CFTR):c.262_263delTT(L88Ifs*22, aka 394delTT) is classified as pathogenic in the context of cystic fibrosis and is associated with the classic form of disease. Sources cited for classification include the following: PMID 23974870. Classification of NM_000492.3(CFTR):c.262_263delTT(L88Ifs*22, aka 394delTT) is based on the following criteria: The variant causes a premature termination codon that is expected to be targeted by nonsense-mediated mRNA decay and is reported in individuals with the relevant phenotype. Please note: this variant was assessed in the context of healthy population screening.â€šÃ„Ã¶âˆšÃ‘âˆšÂ£

Mendelics
Classification: Pathogenic for Cystic fibrosis. Last evaluated: 2018-11-05. Review status: criteria provided, single submitter. Criteria: Mendelics Assertion Criteria 2017. Collection method: clinical testing. Allele origin: unknown. Affected: yes. Not counted in ClinVar's aggregate classification.

CFTR-France
Classification: Pathogenic for cystic fibrosis. Last evaluated: 2018-01-29. Review status: criteria provided, single submitter. Criteria: Claustres M et al. (Hum Mutat 2017). Collection method: curation. Allele origin: germline. Affected: yes. Not counted in ClinVar's aggregate classification.

Women's Health and Genetics/Laboratory Corporation of America, LabCorp
Classification: Pathogenic for Cystic fibrosis. Last evaluated: 2017-02-16. Review status: criteria provided, single submitter. Criteria: LabCorp Variant Classification Summary - May 2015. Collection method: clinical testing. Allele origin: germline. Not counted in ClinVar's aggregate classification.
Comment: Variant summary: The CFTR c.262_263delTT (p.Leu88Ilefs) variant results in a premature termination codon, predicted to cause a truncated or absent CFTR protein due to nonsense mediated decay, which are commonly known mechanisms for disease. Truncations downstream of this position have been classified as pathogenic by our laboratory (e.g.p.Glu193X, p.Gln220X). One in silico tool predicts a damaging outcome for this variant. This variant was found in 39/121142 control chromosomes at a frequency of 0.0003219, which does not exceed the estimated maximal expected allele frequency of a pathogenic CFTR variant (0.0129603). This variant has been reported in a large number of CF patients. In addition, multiple clinical diagnostic laboratories/reputable databases classified this variant as pathogenic. Taken together, this variant is classified as pathogenic.

Clinical Genetics and Genomics, Karolinska University Hospital
Classification: Pathogenic. Last evaluated: 2015-01-22. Review status: criteria provided, single submitter. Criteria: ACMG Guidelines, 2015. Collection method: clinical testing. Allele origin: germline. Affected: yes. Observed: 2 variant alleles. Not counted in ClinVar's aggregate classification.

Baylor Genetics
Classification: Pathogenic for Congenital bilateral aplasia of vas deferens from CFTR mutation; Cystic fibrosis. Review status: criteria provided, single submitter. Criteria: ACMG Guidelines, 2015. Collection method: clinical testing. Allele origin: germline. Not counted in ClinVar's aggregate classification.

OMIM
Classification: Pathogenic for CYSTIC FIBROSIS. Last evaluated: 1994-02-01. Review status: no assertion criteria provided. Collection method: literature only. Allele origin: germline. Not counted in ClinVar's aggregate classification.

Clinical Genetics DNA and cytogenetics Diagnostics Lab, Erasmus MC, Erasmus Medical Center
Classification: Pathogenic. Review status: no assertion criteria provided. Collection method: clinical testing. Allele origin: germline. Affected: yes. Study: VKGL Data-share Consensus. Not counted in ClinVar's aggregate classification.

Diagnostic Laboratory, Department of Genetics, University Medical Center Groningen
Classification: Pathogenic. Review status: no assertion criteria provided. Collection method: clinical testing. Allele origin: germline. Affected: yes. Study: VKGL Data-share Consensus. Not counted in ClinVar's aggregate classification.

Joint Genome Diagnostic Labs from Nijmegen and Maastricht, Radboudumc and MUMC+
Classification: Pathogenic. Review status: no assertion criteria provided. Collection method: clinical testing. Allele origin: germline. Affected: yes. Study: VKGL Data-share Consensus. Not counted in ClinVar's aggregate classification.

Literature cited by the submitters: PubMed 21354377 (cited by Natera, Inc.); PubMed 1695717 (cited by Labcorp Genetics (formerly Invitae), Labcorp); PubMed 7691345 (cited by Labcorp Genetics (formerly Invitae), Labcorp); PubMed 9725922 (cited by Labcorp Genetics (formerly Invitae), Labcorp); PubMed 7691344 (cited by Labcorp Genetics (formerly Invitae), Labcorp and 3billion); PubMed 22658665 (cited by Labcorp Genetics (formerly Invitae), Labcorp); PubMed 23378603 (cited by Labcorp Genetics (formerly Invitae), Labcorp); PubMed 23974870 (cited by 4 submitters); PubMed 15463888 (cited by Otogenetics and Ambry Genetics); PubMed 10636451 (cited by Ambry Genetics); PubMed 8707304 (cited by Ambry Genetics); PubMed 7509310 (cited by Quest Diagnostics Nichols Institute San Juan Capistrano and OMIM); PubMed 16051530 (cited by Quest Diagnostics Nichols Institute San Juan Capistrano); PubMed 8707306 (cited by Women's Health and Genetics/Laboratory Corporation of America, LabCorp); PubMed 15371903 (cited by Women's Health and Genetics/Laboratory Corporation of America, LabCorp).